The following is an entry in ClinVar:

NM_003060.4(SLC22A5):c.419G>A (p.Trp140Ter)

Gene: SLC22A5 (solute carrier family 22 member 5; plus strand). Cytogenetic location: 5q31.1.
Variant type: single nucleotide variant.
Coding change: c.419G>A on transcript NM_003060.4 (MANE Select); coding-DNA position 419, G replaced by A.
Protein change: p.Trp140Ter; replaces tryptophan 140 with a stop codon.
Molecular consequence: nonsense.
Genome position (GRCh38, 1-based): chr5:132,378,403, G>A. VCF-style: chr5-132378403-G-A. GRCh37 (hg19) VCF-style: chr5-131714095-G-A.
Other names: c.491G>A, p.Trp164Ter (NM_001308122.2); short protein forms W140*, W164*.
Identifiers: ClinVar variation 203936 (VCV000203936.12), dbSNP rs796052039, ClinGen allele CA312969.
Genomic context (GRCh38, chr5:132,378,403, plus strand): 5'-AAGTGAATGATACACCCCCTTTGCTCATCTTGCAGTGGAACCTGGTGTGTGAGGACGACT[G>A]GAAGGCCCCACTCACAATCTCCTTGTTCTTCGTGGGTGTGCTGTTGGGCTCCTTCATTTC-3'

ClinVar aggregate classification (germline): Pathogenic/Likely pathogenic. Review status: criteria provided, multiple submitters, no conflicts (2 of 4 stars). 3 submissions from 3 submitters: Pathogenic (2); Likely pathogenic (1). Last evaluated 2025-07-14.

Conditions:
Carnitine deficiency. Identifiers: MedGen C1142132.
Renal carnitine transport defect (CDSP). Also called: CARNITINE DEFICIENCY, SYSTEMIC, DUE TO DEFECT IN RENAL REABSORPTION OF CARNITINE; CARNITINE TRANSPORTER, PLASMA-MEMBRANE, DEFICIENCY OF; CARNITINE UPTAKE DEFECT; Primary carnitine deficiency; Systemic primary carnitine deficiency disease; Systemic primary carnitine deficiency. Identifiers: Orphanet 158, MedGen C0342788, MONDO:0008919, OMIM 212140.

Allele frequency attached by ClinVar (database versions not stated): gnomAD exomes below 0.00001; TOPMed below 0.00001.

Submissions (3):

Dasa
Classification: Pathogenic. Last evaluated: 2025-07-14. Review status: criteria provided, single submitter. Criteria: DASA Assertion Criteria. Collection method: clinical testing. Allele origin: germline.
Comment: NM_003060.4(SLC22A5):c.419G>A (p.Trp140*) introduces a premature termination codon predicted to result in loss of normal protein function. Loss-of-function is an established mechanism of disease for this gene. This variant has been observed in affected individuals with related phenotype in a genotype context consistent with recessive disease (PMID: 35281663; PMID: 28841266; PMID: 26828774). This variant has been recurrently observed in individuals with related phenotype (PMID: 35281663; PMID: 28841266; PMID: 26828774). Segregation evidence has been reported in affected families. The variant is present at low frequency in population datasets. Based on the available data, this variant is classified as pathogenic.

Natera, Inc.
Classification: Likely pathogenic for Carnitine deficiency. Last evaluated: 2025-03-27. Review status: criteria provided, single submitter. Criteria: Natera Variant Classification Schema (03/2026). Collection method: clinical testing. Allele origin: germline.
Comment: The c.419G>A variant in SLC22A5 is a nonsense variant predicted to introduce a stop codon at amino acid 140. This variant is expected to result in nonsense mediated decay, truncation, or a dysfunctional protein product. This variant is rare in the general population with a frequency below the threshold expected for the associated phenotype(s). Given the available evidence, this variant is classified as Likely Pathogenic.

Labcorp Genetics (formerly Invitae), Labcorp
Classification: Pathogenic for Renal carnitine transport defect. Last evaluated: 2023-02-14. Review status: criteria provided, single submitter. Criteria: Invitae Variant Classification Sherloc (09022015). Collection method: clinical testing. Allele origin: germline.
Comment: ClinVar contains an entry for this variant (Variation ID: 203936). This sequence change creates a premature translational stop signal (p.Trp140*) in the SLC22A5 gene. It is expected to result in an absent or disrupted protein product. Loss-of-function variants in SLC22A5 are known to be pathogenic (PMID: 9916797). This variant is not present in population databases (gnomAD no frequency). This premature translational stop signal has been observed in individual(s) with primary carnitine deficiency (PMID: 28841266). For these reasons, this variant has been classified as Pathogenic.

Literature cited by the submitters: PubMed 35281663 (cited by Dasa); PubMed 28841266 (cited by Dasa and Labcorp Genetics (formerly Invitae), Labcorp); PubMed 26828774 (cited by Dasa); PubMed 9916797 (cited by Labcorp Genetics (formerly Invitae), Labcorp).